The following is an entry in ClinVar:

NM_020738.4(KIDINS220):c.2618T>C (p.Ile873Thr)

Gene: KIDINS220 (kinase D interacting substrate 220; minus strand). Cytogenetic location: 2p25.1.
Variant type: single nucleotide variant.
Coding change: c.2618T>C on transcript NM_020738.4 (MANE Select); coding-DNA position 2618, T replaced by C.
Protein change: p.Ile873Thr; replaces isoleucine 873 with threonine.
Molecular consequence: missense variant. On other transcripts: non-coding transcript variant (2).
Genome position (GRCh38, 1-based): chr2:8,778,724, A>G on the plus strand (T>C on the coding strand, the complement: KIDINS220 is on the minus strand). VCF-style: chr2-8778724-A-G. GRCh37 (hg19) VCF-style: chr2-8918854-A-G.
Other names: p.Ile873Thr; c.2621T>C, p.Ile874Thr (NM_001348729.2, NM_001348731.2, NM_001348734.2 and 3 more transcripts); c.2618T>C, p.Ile873Thr (NM_001348732.2, NM_001348735.2, NM_001348738.2 and 3 more transcripts); c.2492T>C, p.Ile831Thr (NM_001348736.2); c.2618T>C (NM_020738.2); short protein forms I874T, I831T, I873T.
Identifiers: ClinVar variation 4542532 (VCV004542532.2).
Genomic context (GRCh38, chr2:8,778,724, plus strand): 5'-CCAAGTTTTGTCATCTCCCCAAGGCTGTTCTGTGAAACTCTTCTGTCAGCATCTTCCTGT[A>G]TCCCTTAAATAATTTATCAAGACAGCATCACTTACACCAAAATTCTGTTGTATATGATAT-3'
Protein context (NP_065789.1, residues 863-883): GDVPCSDTTG[Ile873Thr]QEDADRRVSQ

ClinVar aggregate classification (germline): Uncertain significance. Review status: criteria provided, multiple submitters, no conflicts (2 of 4 stars). 2 submissions from 2 submitters: Uncertain significance (2). Last evaluated 2026-05-22.

Conditions:
KIDINS220-related disorder. Also called: KIDINS220-related condition.

gnomAD v4.1: 6 of 1,613,348 alleles (0.00037%); highest among the groups gnomAD compares: Non-Finnish European, 0.00051%; no homozygotes.

Submissions (2):

PreventionGenetics, part of Exact Sciences
Classification: Uncertain significance for KIDINS220-related condition. Last evaluated: 2026-05-22. Review status: criteria provided, single submitter. Criteria: ACMG Guidelines, 2015. Collection method: clinical testing. Allele origin: germline.
Comment: The KIDINS220 c.2618T>C variant is predicted to result in the amino acid substitution p.Ile873Thr. To our knowledge, this variant has not been reported in the literature. This variant is reported in 0.0016% of alleles in individuals of European (Non-Finnish) descent in gnomAD. At this time, the clinical significance of this variant is uncertain due to the absence of conclusive functional and genetic evidence.

Mayo Clinic Laboratories, Mayo Clinic
Classification: Uncertain significance. Last evaluated: 2024-10-01. Review status: criteria provided, single submitter. Criteria: ACMG Guidelines, 2015. Collection method: clinical testing. Allele origin: germline. Observed: 1 variant allele.
Comment: BP4